The following is an entry in ClinVar:

NM_001283009.2(RTEL1):c.2979C>A (p.Val993=)

Genes: RTEL1 (regulator of telomere elongation helicase 1; plus strand), RTEL1-TNFRSF6B (RTEL1-TNFRSF6B readthrough (NMD candidate); plus strand). Cytogenetic location: 20q13.33.
Variant type: single nucleotide variant.
Coding change: c.2979C>A on transcript NM_001283009.2 (MANE Select); coding-DNA position 2979, C replaced by A.
Protein change: p.Val993=; no amino-acid change (valine 993 retained).
Molecular consequence: synonymous variant. On other transcripts: non-coding transcript variant (1).
Genome position (GRCh38, 1-based): chr20:63,693,270, C>A. VCF-style: chr20-63693270-C-A. GRCh37 (hg19) VCF-style: chr20-62324623-C-A.
Other names: c.2310C>A, p.Val770= (NM_001283010.1); c.2979C>A, p.Val993= (NM_016434.4); c.3051C>A, p.Val1017= (NM_032957.5).
Identifiers: ClinVar variation 1692625 (VCV001692625.1), dbSNP rs116365288, ClinGen allele CA511661463.

ClinVar aggregate classification (germline): Uncertain significance (1 of 4 stars; one submission).

Conditions:
Dyskeratosis congenita. Identifiers: Orphanet 1775, MedGen C0265965, MONDO:0015780.

gnomAD v4.1: 2 of 1,611,792 alleles (0.00012%); highest among the groups gnomAD compares: Non-Finnish European, 0.00017%; no homozygotes.

Submission:

Sema4
Classification: Uncertain significance for Dyskeratosis congenita. Last evaluated: 2022-02-16. Review status: criteria provided, single submitter. Criteria: Sema4 Curation Guidelines. Collection method: curation. Allele origin: germline.
Comment: The RTEL1 c.2979C>A(p.V993=) variant has not been reported in the literature to our knowledge. It is also known as NM_032957.4:c.3051C>A (p.V1017=). This variant is not reported in the population database Genome Aggregation Database (PMID: 32461654) nor in ClinVar. It is located at a weakly conserved nucleotide. Some in silico tools suggest that it may lead to the creation of a cryptic splice site, though these predictions have not been confirmed by functional studies. The evidence is insufficient to meet ACMG/AMP criteria for classifying the variant as benign or pathogenic. Thus, the clinical significance of this variant is currently uncertain.